The following is an entry in ClinVar:

ClinVar aggregate classification (germline): Pathogenic (1 of 4 stars; one submission).

Conditions:
Gorlin syndrome. Also called: Basal cell nevus syndrome; Nevoid Basal Cell Carcinoma Syndrome. Identifiers: Orphanet 377, MedGen C0004779, MONDO:0007187.

Submission:

Labcorp Genetics (formerly Invitae), Labcorp
Classification: Pathogenic for Gorlin syndrome. Last evaluated: 2018-11-21. Review status: criteria provided, single submitter. Criteria: Invitae Variant Classification Sherloc (09022015). Collection method: clinical testing. Allele origin: germline.
Comment: This variant is a deletion of the genomic region encompassing part of exon 21 (c.3450-2_3483del) of the PTCH1 gene. It is expected to disrupt RNA splicing and likely results in an absent or disrupted protein product. This variant is not present in population databases (ExAC no frequency). This variant has not been reported in the literature in individuals with PTCH1-related disease. Loss-of-function variants in PTCH1 are known to be pathogenic (PMID: 16301862, 16419085). For these reasons, this variant has been classified as Pathogenic.

Literature cited by the submitters: PubMed 16301862; PubMed 16419085.

NM_000264.5(PTCH1):c.3450-2_3483del

Gene: PTCH1 (patched 1; minus strand). Cytogenetic location: 9q22.32.
Variant type: Deletion.
Coding change: c.3450-2_3483del on transcript NM_000264.5 (MANE Select); the canonical splice acceptor site of the intron before coding-DNA position 3450 through coding-DNA position 3483, 36 bases deleted.
Molecular consequence: splice acceptor variant.
Genome position (GRCh38, 1-based): chr9:95,449,907-95,449,942, 36 bases deleted; deleting any 36 consecutive bases within chr9:95,449,907-95,449,943 gives the same sequence; the c. name uses the placement nearest the transcript's 3' end. GRCh37 (hg19): chr9:98,212,190-98,212,225.
Other names: c.3450-2_3483delAGGTATTTCTTTGCTGTGCTGGCGATCCTCACCATC (NM_000264.3); c.3447-2_3480del (NM_001083603.3); c.3252-2_3285del (NM_001083602.3); c.3294-2_3327del (NM_001354918.2); c.2997-2_3030del (NM_001083605.3, NM_001083604.3, NM_001083606.3 and 1 more transcripts).
Identifiers: ClinVar variation 651497 (VCV000651497.7), dbSNP rs1588519463, ClinGen allele CA915947080.